The following is an entry in ClinVar:

NM_001111125.3(IQSEC2):c.1676del (p.Pro559fs)

Gene: IQSEC2 (IQ motif and Sec7 domain ArfGEF 2; minus strand). Cytogenetic location: Xp11.22.
Variant type: Deletion.
Coding change: c.1676del on transcript NM_001111125.3 (MANE Select); coding-DNA position 1676, one base deleted (C; older notation c.1676delC).
Protein change: p.Pro559fs; shifts the reading frame from proline 559.
Molecular consequence: frameshift variant.
Genome position (GRCh38, 1-based): chrX:53,250,900, G deleted on the plus strand (C on the coding strand, the reverse complement: IQSEC2 is on the minus strand); the first of 2 consecutive G bases (chrX:53,250,900-53,250,901); deleting either gives the same sequence. VCF-style (leftmost placement, unchanged base first): chrX-53250899-TG-T. GRCh37 (hg19) VCF-style: chrX-53280081-TG-T.
Other names: c.1061del, p.Pro354fs (NM_015075.2); short protein forms P354fs, P559fs.
Identifiers: ClinVar variation 504163 (VCV000504163.3), dbSNP rs1556863340, ClinGen allele CA658799751.

ClinVar aggregate classification (germline): Pathogenic. Review status: criteria provided, multiple submitters, no conflicts (2 of 4 stars). 2 submissions from 2 submitters: Pathogenic (2). Last evaluated 2019-02-12.

Conditions:
Intellectual developmental disorder, X-linked 1. Also called: MENTAL RETARDATION, X-LINKED 18; MENTAL RETARDATION, X-LINKED 78; Intellectual disability, X-linked 1; Atkin Flaitz Patil Smith syndrome. Identifiers: Orphanet 777, MedGen C2931498, MONDO:0010656, OMIM 309530.

Submissions (2):

Labcorp Genetics (formerly Invitae), Labcorp
Classification: Pathogenic for Mental retardation, X-linked 1. Last evaluated: 2019-02-12. Review status: criteria provided, single submitter. Criteria: Invitae Variant Classification Sherloc (09022015). Collection method: clinical testing. Allele origin: germline.
Comment: This sequence change creates a premature translational stop signal (p.Pro559Hisfs*48) in the IQSEC2 gene. It is expected to result in an absent or disrupted protein product. This variant is not present in population databases (ExAC no frequency). This variant has not been reported in the literature in individuals with IQSEC2-related disease. Loss-of-function variants in IQSEC2 are known to be pathogenic (PMID: 21686261, 26793055, 27665735). For these reasons, this variant has been classified as Pathogenic.

GeneDx
Classification: Pathogenic. Last evaluated: 2018-01-19. Review status: criteria provided, single submitter. Criteria: GeneDx Variant Classification (06012015). Collection method: clinical testing. Allele origin: germline. Affected: yes.
Comment: The c.1676delC variant in the IQSEC2 gene has not been reported previously as a pathogenic variant nor as a benign variant, to our knowledge. The c.1676delC variant causes a frameshift starting with codon Proline 559, changes this amino acid to a Histidine residue, and creates a premature Stop codon at position 48 of the new reading frame, denoted p.Pro559HisfsX48. This variant is predicted to cause loss of normal protein function either through protein truncation or nonsense-mediated mRNA decay. The c.1676delC variant is not observed in large population cohorts (Lek et al., 2016). We interpret c.1676delC as a pathogenic variant.